The following is an entry in ClinVar:

NM_130839.5(UBE3A):c.1457A>G (p.Lys486Arg)

Genes: SNHG14 (small nucleolar RNA host gene 14; plus strand), UBE3A (ubiquitin protein ligase E3A; minus strand). Cytogenetic location: 15q11.2.
Variant type: single nucleotide variant.
Coding change: c.1457A>G on transcript NM_130839.5 (MANE Select); coding-DNA position 1457, A replaced by G.
Protein change: p.Lys486Arg; replaces lysine 486 with arginine.
Molecular consequence: missense variant. On other transcripts: non-coding transcript variant (1), intron variant (2).
Genome position (GRCh38, 1-based): chr15:25,370,717, T>C on the plus strand (A>G on the coding strand, the complement: UBE3A is on the minus strand). VCF-style: chr15-25370717-T-C. GRCh37 (hg19) VCF-style: chr15-25615864-T-C.
Other names: c.1466A>G, p.Lys489Arg (NM_000462.5); c.1457A>G, p.Lys486Arg (NM_001354505.1, NM_001354538.2, NM_001354545.2); c.1397A>G, p.Lys466Arg (NM_001354506.2, NM_001354507.2, NM_001354508.2 and 17 more transcripts); c.1280A>G, p.Lys427Arg (NM_001354546.2); c.301+4748A>G (NM_001354551.2); c.361+4748A>G (NM_001354550.2); short protein forms K466R, K489R, K486R, K427R.
Identifiers: ClinVar variation 2692555 (VCV002692555.1), dbSNP rs2552191484, ClinGen allele CA391353553.

ClinVar aggregate classification (germline): Uncertain significance (1 of 4 stars; one submission).

Submission:

Greenwood Genetic Center Diagnostic Laboratories, Greenwood Genetic Center
Classification: Uncertain significance. Last evaluated: 2023-10-17. Review status: criteria provided, single submitter. Criteria: ACMG Guidelines, 2015. Collection method: clinical testing. Allele origin: germline. Affected: yes.
Comment: PM2